The following is an entry in ClinVar:

ClinVar aggregate classification (germline): Uncertain significance (1 of 4 stars; one submission).

Conditions:
Hereditary diffuse gastric adenocarcinoma (HDGC). Also called: DIFFUSE GASTRIC AND LOBULAR BREAST CANCER SYNDROME. Identifiers: Orphanet 26106, MedGen C1708349, MONDO:0007648, OMIM 137215.

Submission:

Labcorp Genetics (formerly Invitae), Labcorp
Classification: Uncertain significance for Hereditary diffuse gastric adenocarcinoma. Last evaluated: 2022-04-28. Review status: criteria provided, single submitter. Criteria: Invitae Variant Classification Sherloc (09022015). Collection method: clinical testing. Allele origin: germline.
Comment: In summary, the available evidence is currently insufficient to determine the role of this variant in disease. Therefore, it has been classified as a Variant of Uncertain Significance. Algorithms developed to predict the effect of missense changes on protein structure and function are either unavailable or do not agree on the potential impact of this missense change (SIFT: "Deleterious"; PolyPhen-2: "Probably Damaging"; Align-GVGD: "Class C0"). This variant has not been reported in the literature in individuals affected with CDH1-related conditions. This variant is not present in population databases (gnomAD no frequency). This sequence change replaces valine, which is neutral and non-polar, with methionine, which is neutral and non-polar, at codon 678 of the CDH1 protein (p.Val678Met).

NM_004360.5(CDH1):c.2032G>A (p.Val678Met)

Gene: CDH1 (cadherin 1; plus strand). Cytogenetic location: 16q22.1.
Variant type: single nucleotide variant.
Coding change: c.2032G>A on transcript NM_004360.5 (MANE Select); coding-DNA position 2032, G replaced by A.
Protein change: p.Val678Met; replaces valine 678 with methionine.
Molecular consequence: missense variant.
Genome position (GRCh38, 1-based): chr16:68,823,494, G>A. VCF-style: chr16-68823494-G-A. GRCh37 (hg19) VCF-style: chr16-68857397-G-A.
Other names: c.1849G>A, p.Val617Met (NM_001317184.2); c.484G>A, p.Val162Met (NM_001317185.2); c.67G>A, p.Val23Met (NM_001317186.2); short protein forms V23M, V678M, V162M, V617M.
Identifiers: ClinVar variation 1476563 (VCV001476563.8), dbSNP rs764788846, ClinGen allele CA396467711.
Genomic context (GRCh38, chr16:68,823,494, plus strand): 5'-TTAGAGGTGGGTGACTACAAAATCAATCTCAAGCTCATGGATAACCAGAATAAAGACCAA[G>A]TGACCACCTTAGAGGTCAGCGTGTGTGACTGTGAAGGGGCCGCTGGCGTCTGTAGGAAGG-3'
Protein context (NP_004351.1, residues 668-688): KLMDNQNKDQ[Val678Met]TTLEVSVCDC